The following is an entry in ClinVar:

NM_005816.5(CD96):c.359T>C (p.Leu120Pro)

Gene: CD96 (CD96 molecule; plus strand). Cytogenetic location: 3q13.13.
Variant type: single nucleotide variant.
Coding change: c.359T>C on transcript NM_005816.5 (MANE Select); coding-DNA position 359, T replaced by C.
Protein change: p.Leu120Pro; replaces leucine 120 with proline.
Molecular consequence: missense variant. On other transcripts: non-coding transcript variant (1).
Genome position (GRCh38, 1-based): chr3:111,545,343, T>C. VCF-style: chr3-111545343-T-C. GRCh37 (hg19) VCF-style: chr3-111264190-T-C.
Other names: c.359T>C, p.Leu120Pro (NM_001318889.2, NM_198196.3); c.359T>C (NM_198196.2); short protein forms L120P.
Identifiers: ClinVar variation 1448107 (VCV001448107.8), dbSNP rs199773662, ClinGen allele CA2534147.

ClinVar aggregate classification (germline): Uncertain significance. Review status: criteria provided, multiple submitters, no conflicts (2 of 4 stars). 2 submissions from 2 submitters: Uncertain significance (2). Last evaluated 2025-08-09.

Allele frequency attached by ClinVar (database versions not stated): ESP Exome Variant Server 0.00008; ExAC 0.00010; gnomAD exomes 0.00014 and 0.00024; 1000 Genomes Project 30x 0.00016; gnomAD 0.00019 and 0.00021; 1000 Genomes Project 0.00020; TOPMed 0.00022.
gnomAD v4.1: 391 of 1,614,078 alleles (0.024%); highest among the groups gnomAD compares: Non-Finnish European, 0.03%; no homozygotes.

Submissions (2):

Ambry Genetics
Classification: Uncertain significance. Last evaluated: 2025-08-09. Review status: criteria provided, single submitter. Criteria: Ambry Variant Classification Scheme 2023. Collection method: clinical testing. Allele origin: germline.

Labcorp Genetics (formerly Invitae), Labcorp
Classification: Uncertain significance. Last evaluated: 2021-05-17. Review status: criteria provided, single submitter. Criteria: Invitae Variant Classification Sherloc (09022015). Collection method: clinical testing. Allele origin: germline.
Comment: In summary, the available evidence is currently insufficient to determine the role of this variant in disease. Therefore, it has been classified as a Variant of Uncertain Significance. Algorithms developed to predict the effect of missense changes on protein structure and function are either unavailable or do not agree on the potential impact of this missense change (SIFT: "Deleterious"; PolyPhen-2: "Benign"; Align-GVGD: "Class C0"). This variant has not been reported in the literature in individuals with CD96-related conditions. This variant is present in population databases (rs199773662, ExAC 0.02%). This sequence change replaces leucine with proline at codon 120 of the CD96 protein (p.Leu120Pro). The leucine residue is weakly conserved and there is a moderate physicochemical difference between leucine and proline.